The following is an entry in ClinVar:

NM_000302.4(PLOD1):c.824G>A (p.Arg275His)

Gene: PLOD1 (procollagen-lysine,2-oxoglutarate 5-dioxygenase 1; plus strand). Cytogenetic location: 1p36.22.
Variant type: single nucleotide variant.
Coding change: c.824G>A on transcript NM_000302.4 (MANE Select); coding-DNA position 824, G replaced by A.
Protein change: p.Arg275His; replaces arginine 275 with histidine.
Molecular consequence: missense variant.
Genome position (GRCh38, 1-based): chr1:11,957,924, G>A. VCF-style: chr1-11957924-G-A. GRCh37 (hg19) VCF-style: chr1-12017981-G-A.
Other names: c.965G>A, p.Arg322His (NM_001316320.2); short protein forms R275H, R322H.
Identifiers: ClinVar variation 459830 (VCV000459830.8), dbSNP rs184999645, ClinGen allele CA18003260.

ClinVar aggregate classification (germline): Uncertain significance. Review status: criteria provided, multiple submitters, no conflicts (2 of 4 stars). 2 submissions from 2 submitters: Uncertain significance (2). Last evaluated 2021-12-07.

Conditions:
Familial thoracic aortic aneurysm and aortic dissection (TAAD). Also called: Thoracic aortic aneurysms and dissections. Identifiers: Orphanet 91387, MedGen C4707243, MONDO:0019625.
Ehlers-Danlos syndrome, kyphoscoliotic type 1 (EDSKSCL1). Also called: EHLERS-DANLOS SYNDROME, TYPE VIA; Ehlers-Danlos syndrome, hydroxylysine-deficient; EHLERS-DANLOS SYNDROME, OCULAR-SCOLIOTIC TYPE; PLOD1-Related Kyphoscoliotic Ehlers-Danlos Syndrome. Identifiers: Orphanet 1900, MedGen C0268342, MONDO:0016002, OMIM 225400. Disease mechanism: loss of function.

Allele frequency attached by ClinVar (database versions not stated): gnomAD 0.00001; gnomAD exomes 0.00001; TOPMed 0.00002.
gnomAD v4.1: 22 of 1,612,734 alleles (0.0014%); highest among the groups gnomAD compares: South Asian, 0.012%; no homozygotes.

Submissions (2):

Ambry Genetics
Classification: Uncertain significance for Familial thoracic aortic aneurysm and aortic dissection. Last evaluated: 2021-12-07. Review status: criteria provided, single submitter. Criteria: Ambry Variant Classification Scheme 2023. Collection method: clinical testing. Allele origin: germline.
Comment: The p.R275H variant (also known as c.824G>A), located in coding exon 8 of the PLOD1 gene, results from a G to A substitution at nucleotide position 824. The arginine at codon 275 is replaced by histidine, an amino acid with highly similar properties. This amino acid position is conserved. In addition, the in silico prediction for this alteration is inconclusive. Since supporting evidence is limited at this time, the clinical significance of this alteration remains unclear.

Labcorp Genetics (formerly Invitae), Labcorp
Classification: Uncertain significance for Ehlers-Danlos syndrome, kyphoscoliotic type 1. Last evaluated: 2021-09-01. Review status: criteria provided, single submitter. Criteria: Invitae Variant Classification Sherloc (09022015). Collection method: clinical testing. Allele origin: germline.
Comment: This sequence change replaces arginine with histidine at codon 275 of the PLOD1 protein (p.Arg275His). The arginine residue is highly conserved and there is a small physicochemical difference between arginine and histidine. This variant is not present in population databases (ExAC no frequency). This variant has not been reported in the literature in individuals affected with PLOD1-related conditions. Algorithms developed to predict the effect of missense changes on protein structure and function (SIFT, PolyPhen-2, Align-GVGD) all suggest that this variant is likely to be tolerated. In summary, the available evidence is currently insufficient to determine the role of this variant in disease. Therefore, it has been classified as a Variant of Uncertain Significance.